The following is an entry in ClinVar:

NM_000143.4(FH):c.492G>A (p.Met164Ile)

Gene: FH (fumarate hydratase; minus strand). Cytogenetic location: 1q43.
Variant type: single nucleotide variant.
Coding change: c.492G>A on transcript NM_000143.4 (MANE Select); coding-DNA position 492, G replaced by A.
Protein change: p.Met164Ile; replaces methionine 164 with isoleucine.
Molecular consequence: missense variant.
Genome position (GRCh38, 1-based): chr1:241,512,030, C>T on the plus strand (G>A on the coding strand, the complement: FH is on the minus strand). VCF-style: chr1-241512030-C-T. GRCh37 (hg19) VCF-style: chr1-241675330-C-T.
Other names: short protein forms M164I.
Identifiers: ClinVar variation 3515102 (VCV003515102.1).

ClinVar aggregate classification (germline): Uncertain significance (1 of 4 stars; one submission).

Conditions:
Hereditary cancer-predisposing syndrome. Also called: Tumor predisposition; Neoplastic Syndromes, Hereditary; Hereditary Cancer Syndrome; Hereditary neoplastic syndrome. Identifiers: Orphanet 140162, MedGen C0027672, MeSH D009386, MONDO:0015356.

Submission:

Ambry Genetics
Classification: Uncertain significance for Hereditary cancer-predisposing syndrome. Last evaluated: 2024-09-18. Review status: criteria provided, single submitter. Criteria: Ambry Variant Classification Scheme 2023. Collection method: clinical testing. Allele origin: germline.
Comment: The p.M164I variant (also known as c.492G>A), located in coding exon 4 of the FH gene, results from a G to A substitution at nucleotide position 492. The methionine at codon 164 is replaced by isoleucine, an amino acid with highly similar properties. This amino acid position is conserved. In addition, the in silico prediction for this alteration is inconclusive. Based on the available evidence, the clinical significance of this variant remains unclear.